The following is an entry in ClinVar:

ClinVar aggregate classification (germline): Benign/Likely benign. Review status: criteria provided, multiple submitters, no conflicts (2 of 4 stars). 3 submissions from 3 submitters: Benign (1); Likely benign (2). Last evaluated 2025-02-20.

Conditions:
Breast-ovarian cancer, familial, susceptibility to, 4. Identifiers: Orphanet 145, MedGen C3280345, MONDO:0013669, OMIM 614291.
Hereditary cancer-predisposing syndrome. Also called: Neoplastic Syndromes, Hereditary; Tumor predisposition; Hereditary Cancer Syndrome; Hereditary neoplastic syndrome. Identifiers: Orphanet 140162, MedGen C0027672, MeSH D009386, MONDO:0015356.

gnomAD v4.1: 1 of 1,613,968 alleles (0.000062%); highest among the groups gnomAD compares: South Asian, 0.0011%; no homozygotes.

Submissions (3):

Myriad Genetics, Inc.
Classification: Benign for Breast-ovarian cancer, familial, susceptibility to, 4. Last evaluated: 2025-02-20. Review status: criteria provided, single submitter. Criteria: Myriad Autosomal Dominant, Autosomal Recessive and X-Linked Classification Criteria (2023). Collection method: clinical testing. Allele origin: unknown.
Comment: This variant is considered benign. This variant is a silent/synonymous amino acid change and it is not expected to impact splicing.

Labcorp Genetics (formerly Invitae), Labcorp
Classification: Likely benign for Breast-ovarian cancer, familial, susceptibility to, 4. Last evaluated: 2022-09-27. Review status: criteria provided, single submitter. Criteria: Invitae Variant Classification Sherloc (09022015). Collection method: clinical testing. Allele origin: germline.

Color Diagnostics, LLC DBA Color Health
Classification: Likely benign for Hereditary cancer-predisposing syndrome. Last evaluated: 2019-07-18. Review status: criteria provided, single submitter. Criteria: ACMG Guidelines, 2015. Collection method: clinical testing. Allele origin: germline.

NM_002878.4(RAD51D):c.117A>G (p.Val39=)

Genes: RAD51D (RAD51 paralog D; minus strand), RAD51L3-RFFL (RAD51L3-RFFL readthrough; minus strand). Cytogenetic location: 17q12.
Variant type: single nucleotide variant.
Coding change: c.117A>G on transcript NM_002878.4 (MANE Select); coding-DNA position 117, A replaced by G.
Protein change: p.Val39=; no amino-acid change (valine 39 retained).
Molecular consequence: synonymous variant. On other transcripts: non-coding transcript variant (2).
Genome position (GRCh38, 1-based): chr17:35,119,138, T>C on the plus strand (A>G on the coding strand, the complement: RAD51D is on the minus strand). VCF-style: chr17-35119138-T-C. GRCh37 (hg19) VCF-style: chr17-33446157-T-C.
Other names: c.117A>G, p.Val39= (NM_001142571.2, NM_133629.3).
Identifiers: ClinVar variation 922527 (VCV000922527.8), dbSNP rs876660008, ClinGen allele CA499732400.